The following is an entry in ClinVar:

ClinVar aggregate classification (germline): Uncertain significance (1 of 4 stars; one submission).

Conditions:
Hereditary cancer-predisposing syndrome. Also called: Neoplastic Syndromes, Hereditary; Tumor predisposition; Hereditary Cancer Syndrome; Hereditary neoplastic syndrome. Identifiers: Orphanet 140162, MedGen C0027672, MeSH D009386, MONDO:0015356.

Submission:

Ambry Genetics
Classification: Uncertain significance for Hereditary cancer-predisposing syndrome. Last evaluated: 2023-03-21. Review status: criteria provided, single submitter. Criteria: Ambry Variant Classification Scheme 2023. Collection method: clinical testing. Allele origin: germline.
Comment: The c.1230G>A variant (also known as p.L410L), located in coding exon 9 of the APC gene, results from a G to A substitution at nucleotide position 1230. This nucleotide substitution does not change the leucine at codon 410. This alteration was identified in 1/934 French patients with familial adenomatous polyposis (Lagarde A et al. J Med Genet, 2010 Oct;47:721-2). This nucleotide position is well conserved in available vertebrate species. In silico splice site analysis for this alteration is inconclusive. RNA studies have demonstrated that this alteration results in an incomplete splice defect; the clinical impact of this abnormal splicing is unknown at this time (Ambry internal data). Since supporting evidence is limited at this time, the clinical significance of this alteration remains unclear.

Literature cited by the submitters: PubMed 20685668.

NM_000038.6(APC):c.1230G>A (p.Leu410=)

Gene: APC (APC regulator of Wnt signaling pathway; plus strand). Cytogenetic location: 5q22.2.
Variant type: single nucleotide variant.
Coding change: c.1230G>A on transcript NM_000038.6 (MANE Select); coding-DNA position 1230, G replaced by A.
Protein change: p.Leu410=; no amino-acid change (leucine 410 retained).
Molecular consequence: synonymous variant. On other transcripts: non-coding transcript variant (2), intron variant (15).
Genome position (GRCh38, 1-based): chr5:112,819,262, G>A. VCF-style: chr5-112819262-G-A. GRCh37 (hg19) VCF-style: chr5-112154959-G-A.
Other names: c.1230G>A, p.Leu410= (NM_001127510.3, NM_001354895.2, NM_001354896.2 and 4 more transcripts); c.1176G>A, p.Leu392= (NM_001127511.3); c.1260G>A, p.Leu420= (NM_001354897.2, NM_001407446.1); c.1155G>A, p.Leu385= (NM_001354898.2, NM_001407451.1); c.1146G>A, p.Leu382= (NM_001354899.2, NM_001407452.1); c.1053G>A, p.Leu351= (NM_001354900.2, NM_001354901.2, NM_001407453.1); c.381G>A, p.Leu127= (NM_001354906.2, NM_001407470.1); c.85-7G>A (NM_001407472.1, NM_001407471.1); and 5 more.
Identifiers: ClinVar variation 1755489 (VCV001755489.3), dbSNP rs2149782841, ClinGen allele CA445960366.
Genomic context (GRCh38, chr5:112,819,262, plus strand): 5'-CATTCACTCACAGCCTGATGACAAGAGAGGCAGGCGTGAAATCCGAGTCCTTCATCTTTT[G>A]GAACAGATACGCGCTTACTGTGAAACCTGTTGGGAGTGGCAGGAAGCTCATGAACCAGGC-3'
Protein context (NP_000029.2, residues 400-420): GRREIRVLHL[Leu410=]EQIRAYCETC